The following is an entry in ClinVar:

NM_000038.6(APC):c.1538T>C (p.Val513Ala)

Gene: APC (APC regulator of Wnt signaling pathway; plus strand). Cytogenetic location: 5q22.2.
Variant type: single nucleotide variant.
Coding change: c.1538T>C on transcript NM_000038.6 (MANE Select); coding-DNA position 1538, T replaced by C.
Protein change: p.Val513Ala; replaces valine 513 with alanine.
Molecular consequence: missense variant.
Genome position (GRCh38, 1-based): chr5:112,827,237, T>C. VCF-style: chr5-112827237-T-C. GRCh37 (hg19) VCF-style: chr5-112162934-T-C.
Other names: c.1538T>C, p.Val513Ala (NM_001127510.3, NM_001354895.2); c.1484T>C, p.Val495Ala (NM_001127511.3); c.1592T>C, p.Val531Ala (NM_001354896.2); c.1568T>C, p.Val523Ala (NM_001354897.2); c.1463T>C, p.Val488Ala (NM_001354898.2); c.1454T>C, p.Val485Ala (NM_001354899.2); c.1415T>C, p.Val472Ala (NM_001354900.2); c.1361T>C, p.Val454Ala (NM_001354901.2); and 5 more; short protein forms V495A, V513A, V485A, V488A, V523A, V412A, V422A, V353A.
Identifiers: ClinVar variation 229743 (VCV000229743.23), dbSNP rs876658167, ClinGen allele CA10578319.
Genomic context (GRCh38, chr5:112,827,237, plus strand): 5'-ACAGTATTACACTAAGACGATATGCTGGAATGGCTTTGACAAACTTGACTTTTGGAGATG[T>C]AGCCAACAAGGTATGTTTTTATAACATGTATTTCTTAAGATAGCTCAGGTATGAGTTAAT-3'
Protein context (NP_000029.2, residues 503-523): MALTNLTFGD[Val513Ala]ANKATLCSMK

ClinVar aggregate classification (germline): Uncertain significance. Review status: criteria provided, multiple submitters, no conflicts (2 of 4 stars). 6 submissions from 6 submitters: Uncertain significance (6). Last evaluated 2025-07-21.

Conditions:
Desmoid disease, hereditary (DESMD). Also called: FIBROMATOSIS, FAMILIAL INFILTRATIVE. Identifiers: Orphanet 873, MedGen C1851124, OMIM 135290. Disease mechanism: loss of function.
Gastric cancer. Also called: Stomach cancer; Malignant tumor of stomach. Identifiers: MedGen C0024623, MeSH D013274, MONDO:0001056, OMIM 613659, HP:0012126.
Familial adenomatous polyposis 1 (FAP1). Also called: POLYPOSIS, ADENOMATOUS INTESTINAL; FAMILIAL ADENOMATOUS POLYPOSIS 1, ATTENUATED. Identifiers: MedGen C2713442, MONDO:0021056, OMIM 175100. Disease mechanism: loss of function.
Gastric adenocarcinoma and proximal polyposis of the stomach (GAPPS). Also called: Polyposis, gastric, Dos Santos and de Magalhaes 1980; POLYPOSIS, GASTRIC; Gastric Adenocarcinoma and Proximal Polyposis of the Stomach (GAPPS). Identifiers: Orphanet 314022, MedGen C4749917, MONDO:0017790, OMIM 619182.
Hepatocellular carcinoma (HCC). Also called: Primary carcinoma of liver; HEPATOMA; LIVER CELL CARCINOMA. Identifiers: Orphanet 88673, MedGen C2239176, MONDO:0007256, OMIM 114550, HP:0001402.
Colorectal cancer. Also called: Colorectal cancer, somatic; Malignant Colorectal Neoplasm. Identifiers: MedGen C0346629, MONDO:0005575, OMIM 114500.
Hereditary cancer-predisposing syndrome. Also called: Neoplastic Syndromes, Hereditary; Hereditary neoplastic syndrome; Hereditary Cancer Syndrome; Tumor predisposition. Identifiers: Orphanet 140162, MedGen C0027672, MeSH D009386, MONDO:0015356.

Allele frequency attached by ClinVar (database versions not stated): gnomAD exomes below 0.00001; gnomAD 0.00001 and 0.00002.
gnomAD v4.1: 5 of 1,613,760 alleles (0.00031%); highest among the groups gnomAD compares: African/African-American, 0.0053%; no homozygotes.

Submissions (6):

Labcorp Genetics (formerly Invitae), Labcorp
Classification: Uncertain significance for Familial adenomatous polyposis 1. Last evaluated: 2025-07-21. Review status: criteria provided, single submitter. Criteria: Invitae Variant Classification Sherloc (09022015). Collection method: clinical testing. Allele origin: germline.
Comment: This sequence change replaces valine, which is neutral and non-polar, with alanine, which is neutral and non-polar, at codon 513 of the APC protein (p.Val513Ala). This variant is present in population databases (no rsID available, gnomAD 0.008%). This variant has not been reported in the literature in individuals affected with APC-related conditions. ClinVar contains an entry for this variant (Variation ID: 229743). Invitae Evidence Modeling of protein sequence and biophysical properties (such as structural, functional, and spatial information, amino acid conservation, physicochemical variation, residue mobility, and thermodynamic stability) indicates that this missense variant is not expected to disrupt APC protein function with a negative predictive value of 95%. In summary, the available evidence is currently insufficient to determine the role of this variant in disease. Therefore, it has been classified as a Variant of Uncertain Significance.

Color Diagnostics, LLC DBA Color Health
Classification: Uncertain significance for Hereditary cancer-predisposing syndrome. Last evaluated: 2023-12-05. Review status: criteria provided, single submitter. Criteria: ACMG Guidelines, 2015. Collection method: clinical testing. Allele origin: germline.
Comment: This missense variant replaces valine with alanine at codon 513 of the APC protein. Computational prediction suggests that this variant may not impact protein structure and function (internally defined REVEL score threshold <= 0.5, PMID: 27666373). To our knowledge, functional studies have not been reported for this variant. This variant has not been reported in individuals affected with APC-related disorders in the literature. This variant has been identified in 2/282678 chromosomes in the general population by the Genome Aggregation Database (gnomAD). The available evidence is insufficient to determine the role of this variant in disease conclusively. Therefore, this variant is classified as a Variant of Uncertain Significance.

Baylor Genetics
Classification: Uncertain significance for Familial adenomatous polyposis 1. Last evaluated: 2023-10-22. Review status: criteria provided, single submitter. Criteria: ACMG Guidelines, 2015. Collection method: clinical testing. Allele origin: unknown.

Ambry Genetics
Classification: Uncertain significance for Hereditary cancer-predisposing syndrome. Last evaluated: 2022-05-16. Review status: criteria provided, single submitter. Criteria: Ambry Variant Classification Scheme 2023. Collection method: clinical testing. Allele origin: germline.

Fulgent Genetics
Classification: Uncertain significance for Colorectal cancer; Hepatocellular carcinoma; Desmoid disease, hereditary; Familial adenomatous polyposis 1; Gastric cancer; Gastric adenocarcinoma and proximal polyposis of the stomach. Last evaluated: 2022-02-25. Review status: criteria provided, single submitter. Criteria: ACMG Guidelines, 2015. Collection method: clinical testing. Allele origin: unknown.

GeneDx
Classification: Uncertain significance. Last evaluated: 2021-01-04. Review status: criteria provided, single submitter. Criteria: GeneDx Variant Classification Process June 2021. Collection method: clinical testing. Allele origin: germline. Affected: yes.
Comment: Not observed at a significant frequency in large population cohorts (Lek 2016); In silico analysis supports that this missense variant has a deleterious effect on protein structure/function; Has not been previously published as pathogenic or benign to our knowledge